The following continues an entry in ClinVar:

NM_000051.4(ATM):c.8558C>T (p.Thr2853Met)

ClinVar aggregate classification (germline): Conflicting classifications of pathogenicity. Uncertain significance (15); Likely benign (1). ClinVar aggregate classification (oncogenicity): Uncertain significance.

Submissions 12 to 19 of 19:

Myriad Genetics, Inc.
Classification: Likely benign for Familial cancer of breast. Last evaluated: 2024-06-20. Review status: criteria provided, single submitter. Criteria: Myriad Autosomal Dominant, Autosomal Recessive and X-Linked Classification Criteria (2023). Collection method: clinical testing. Allele origin: unknown.
Comment: This variant is considered likely benign. This variant is strongly associated with less severe personal and family histories of cancer, typical for individuals without pathogenic variants in this gene [PMID: 25085752].

Baylor Genetics
Classification: Uncertain significance for Familial cancer of breast. Last evaluated: 2024-03-07. Review status: criteria provided, single submitter. Criteria: ACMG Guidelines, 2015. Collection method: clinical testing. Allele origin: unknown.

Fulgent Genetics
Classification: Uncertain significance for Familial cancer of breast; Ataxia-telangiectasia syndrome. Last evaluated: 2024-01-24. Review status: criteria provided, single submitter. Criteria: ACMG Guidelines, 2015. Collection method: clinical testing. Allele origin: germline.

Women's Health and Genetics/Laboratory Corporation of America, LabCorp
Classification: Uncertain significance. Last evaluated: 2023-11-14. Review status: criteria provided, single submitter. Criteria: LabCorp Variant Classification Summary - May 2015. Collection method: clinical testing. Allele origin: germline.
Comment: Variant summary: ATM c.8558C>T (p.Thr2853Met) results in a non-conservative amino acid change located in the phosphatidylinositol 3-/4-kinase, catalytic domain (IPR000403) of the encoded protein sequence. Five of five in-silico tools predict a damaging effect of the variant on protein function. The variant allele was found at a frequency of 5.2e-05 in 251092 control chromosomes (gnomAD). This frequency is not significantly higher than estimated for a pathogenic variant in ATM causing Breast Cancer (5.2e-05 vs 0.001), allowing no conclusion about variant significance. c.8558C>T has been reported in the literature as a VUS in settings of multigene panel testing among individuals with breast cancer (e.g. Rizzolo_2019, Dorling_2021, Eygelaar_2022, van der Merwe_2022), early-onset prostate cancer (Trendowski_2022), and other types of cancer (e.g. Nadeu_2016, Yin_2022). However, it has also been reported in unaffected control individuals (e.g. Dorling_2021, Renault_2022). These reports do not provide unequivocal conclusions about association of the variant with breast cancer or prostate cancer. To our knowledge, no experimental evidence demonstrating an impact on protein function has been reported. The following publications have been ascertained in the context of this evaluation (PMID: 33471991, 35039564, 25042771, 26837699, 35365198, 30613976, 35171259, 36568162, 36446039, 37262986). Eight submitters have cited clinical-significance assessments for this variant to ClinVar after 2014. All submitters classified the variant as uncertain significance. Based on the evidence outlined above, the variant was classified as uncertain significance.

Sema4
Classification: Uncertain significance for Hereditary cancer-predisposing syndrome. Last evaluated: 2022-03-18. Review status: criteria provided, single submitter. Criteria: Sema4 Curation Guidelines. Collection method: curation. Allele origin: germline.
Comment: The ATM c.8558C>T (p.T2853M) variant has been reported in heterozygosity in individuals with breast cancer, chronic lymphoblastic leukemia, pancreatic cancer, and prostate cancer (PMID: 25503501, 33471991, 26837699, 33436325, 34371384, 35039564, 28779002) but was also observed in control healthy populations (PMID: 33471991, 28652578). It was observed in 15/282472 chromosomes across all populations in the large and broad cohorts of the Genome Aggregation Database. This variant has been reported in ClinVar (Variation ID 142249). In silico tools suggest the impact of the variant on protein function is deleterious, though these predictions have not been confirmed by functional studies. The evidence is insufficient to meet ACMG/AMP criteria for classifying the variant as benign or pathogenic. Thus, the clinical significance of this variant is currently uncertain.

Athena Diagnostics
Classification: Uncertain significance. Last evaluated: 2019-11-05. Review status: criteria provided, single submitter. Criteria: Athena Diagnostics Criteria. Collection method: clinical testing. Allele origin: unknown.

Natera, Inc.
Classification: Uncertain significance for Ataxia-telangiectasia. Last evaluated: 2020-09-16. Review status: no assertion criteria provided. Collection method: clinical testing. Allele origin: germline. Not counted in ClinVar's aggregate classification.

Department of Pathology and Laboratory Medicine, Sinai Health System
Classification: Uncertain significance for Malignant tumor of breast. Review status: no assertion criteria provided. Collection method: clinical testing. Allele origin: unknown. Affected: yes. Observed: 1 variant allele. Study: The Canadian Open Genetics Repository (COGR). Not counted in ClinVar's aggregate classification.
Comment: The ATM p.Thr2853Met variant was identified in 1 of 796 proband chromosomes (frequency: 0.001) from individuals or families with chronic lymphocytic leukemia (Nadeu 2015). The variant was also identified in dbSNP (ID: rs141534716) as "With Uncertain significance allele" and ClinVar (classified as uncertain significance by Invitae, Ambry Genetics, GeneDx and two other submitters). The variant was not identified in LOVD 3.0. The variant was identified in control databases in 17 of 276798 chromosomes at a frequency of 0.00006 (Genome Aggregation Database Feb 27, 2017). The variant was observed in the following populations: African in 3 of 24026 chromosomes (freq: 0.0001), Latino in 1 of 34376 chromosomes (freq: 0.00003), European in 9 of 126386 chromosomes (freq: 0.00007), East Asian in 2 of 18860 chromosomes (freq: 0.0001), Finnish in 1 of 25776 chromosomes (freq: 0.00004), and South Asian in 1 of 30778 chromosomes (freq: 0.00003), while the variant was not observed in the Other or Ashkenazi Jewish populations. The p.Thr2853 residue is conserved across mammals and other organisms and 5 of 5 computational analyses (PolyPhen-2, SIFT, AlignGVGD, BLOSUM, MutationTaster) suggest that the variant may impact the protein; however, this information is not predictive enough to assume pathogenicity. The variant occurs outside of the splicing consensus sequence and in silico or computational prediction software programs (SpliceSiteFinder, MaxEntScan, NNSPLICE, GeneSplicer) do not predict a difference in splicing. In summary, based on the above information, the clinical significance of this variant cannot be determined with certainty at this time. This variant is classified as a variant of uncertain significance.

Literature cited by the submitters: PubMed 26689913 (cited by 3 submitters); PubMed 26837699 (cited by 5 submitters); PubMed 30613976 (cited by Labcorp Genetics (formerly Invitae), Labcorp and Women's Health and Genetics/Laboratory Corporation of America, LabCorp); PubMed 33436325 (cited by Labcorp Genetics (formerly Invitae), Labcorp and Sema4); PubMed 34371384 (cited by 3 submitters); PubMed 35171259 (cited by 3 submitters); PubMed 28779002 (cited by 4 submitters); PubMed 33471991 (cited by 3 submitters); PubMed 35039564 (cited by 3 submitters); PubMed 35365198 (cited by Color Diagnostics, LLC DBA Color Health and Women's Health and Genetics/Laboratory Corporation of America, LabCorp); PubMed 25085752 (cited by Myriad Genetics, Inc.); PubMed 25042771 (cited by Women's Health and Genetics/Laboratory Corporation of America, LabCorp); PubMed 36568162 (cited by Women's Health and Genetics/Laboratory Corporation of America, LabCorp); PubMed 37262986 (cited by Women's Health and Genetics/Laboratory Corporation of America, LabCorp); PubMed 36446039 (cited by Women's Health and Genetics/Laboratory Corporation of America, LabCorp); PubMed 25503501 (cited by Sema4); PubMed 28652578 (cited by Sema4 and Athena Diagnostics); PubMed 30253992 (cited by Athena Diagnostics).